The following is an entry in ClinVar:

ClinVar aggregate classification (germline): Pathogenic (0 of 4 stars; one submission).

Conditions:
Hypertrophic osteoarthropathy, primary, autosomal recessive, 1 (PHOAR1). Also called: PHO, AUTOSOMAL RECESSIVE. Identifiers: Orphanet 1525, Orphanet 2796, MedGen C4551679, MONDO:0024546, OMIM 259100.

Submission:

Division of Pediatric Nephrology, Shenzhen Children's Hospital
Classification: Pathogenic for Hypertrophic osteoarthropathy, primary, autosomal recessive, 1. Last evaluated: 2024-11-16. Review status: no assertion criteria provided. Collection method: clinical testing. Allele origin: germline. Inheritance: Autosomal recessive inheritance. Affected: yes. Observed: 1 compound heterozygote.
Comment: The HPGD gene has been reported to be associated with autosomal recessive primary hypertrophic osteoarthropathy type 1 (PHOAR1), isolated congenital digital clubbing, and cranioosteoarthropathy. As an autosomal recessive (AR) inheritance pattern, pathogenic mutations must occur on both alleles of the gene (in either a homozygous or compound heterozygous state) to result in disease. In this sample, two heterozygous mutations were identified in the exon region of the HPGD gene: 1. c.189C>A , causing an amino acid change to p.C63* (Cysteine to Stop codon). This variant has not been previously reported. 2. c.310_311delCT (a deletion mutation), resulting in the amino acid change p.L104Afs*3 (a frameshift mutation with premature termination after three residues). This mutation has been reported as pathogenic in the HGMDpro database and is associated with hypertrophic osteoarthropathy (PMID: 24533558). Since c.310_311delCT has already been reported as a pathogenic mutation, only the c.189C>A variant was submitted for further pathogenicity analysis in this study. Both mutations identified in this sample are located in the exon region of the HPGD gene. The c.189C>A variant is a nonsense mutation that is likely to have a significant impact on protein function. Based on the ACMG guidelines, this variant is classified as pathogenic. Additionally, the c.310_311delCT variant is a reported pathogenic mutation with a low allele frequency in the general population. This inheritance is consistent with the autosomal recessive mode of transmission, and the mutations are theoretically capable of causing disease. Further clinical correlation is recommended to confirm pathogenicity.

Literature cited by the submitters: PubMed 24533558.

NM_000860.6(HPGD):c.189C>A (p.Cys63Ter)

Gene: HPGD (15-hydroxyprostaglandin dehydrogenase; minus strand). Cytogenetic location: 4q34.1.
Variant type: single nucleotide variant.
Coding change: c.189C>A on transcript NM_000860.6 (MANE Select); coding-DNA position 189, C replaced by A.
Protein change: p.Cys63Ter; replaces cysteine 63 with a stop codon.
Molecular consequence: nonsense. On other transcripts: 5 prime UTR variant (2).
Genome position (GRCh38, 1-based): chr4:174,521,972, G>T on the plus strand (C>A on the coding strand, the complement: HPGD is on the minus strand). VCF-style: chr4-174521972-G-T. GRCh37 (hg19) VCF-style: chr4-175443123-G-T.
Other names: c.189C>A, p.Cys63Ter (NM_001145816.3, NM_001256305.2, NM_001256306.2 and 1 more transcripts); c.-175C>A (NM_001256301.1); c.-68C>A (NM_001256307.2); short protein forms C63*.
Identifiers: ClinVar variation 3377527 (VCV003377527.2).